The following is an entry in ClinVar:

ClinVar aggregate classification (germline): Uncertain significance (1 of 4 stars; one submission).

Submission:

Labcorp Genetics (formerly Invitae), Labcorp
Classification: Uncertain significance. Last evaluated: 2024-10-14. Review status: criteria provided, single submitter. Criteria: Invitae Variant Classification Sherloc (09022015). Collection method: clinical testing. Allele origin: germline.
Comment: This sequence change replaces glutamic acid, which is acidic and polar, with valine, which is neutral and non-polar, at codon 3689 of the RNF213 protein (p.Glu3689Val). This variant is not present in population databases (gnomAD no frequency). This variant has not been reported in the literature in individuals affected with RNF213-related conditions. ClinVar contains an entry for this variant (Variation ID: 2038818). Invitae Evidence Modeling of protein sequence and biophysical properties (such as structural, functional, and spatial information, amino acid conservation, physicochemical variation, residue mobility, and thermodynamic stability) indicates that this missense variant is not expected to disrupt RNF213 protein function with a negative predictive value of 95%. In summary, the available evidence is currently insufficient to determine the role of this variant in disease. Therefore, it has been classified as a Variant of Uncertain Significance.

NM_001256071.3(RNF213):c.11066A>T (p.Glu3689Val)

Genes: RNF213 (ring finger protein 213; plus strand), RNF213-AS1 (RNF213 antisense RNA 1; minus strand). Cytogenetic location: 17q25.3.
Variant type: single nucleotide variant.
Coding change: c.11066A>T on transcript NM_001256071.3 (MANE Select); coding-DNA position 11066, A replaced by T.
Protein change: p.Glu3689Val; replaces glutamic acid 3689 with valine.
Molecular consequence: missense variant.
Genome position (GRCh38, 1-based): chr17:80,360,072, A>T. VCF-style: chr17-80360072-A-T. GRCh37 (hg19) VCF-style: chr17-78333872-A-T.
Other names: c.11213A>T, p.Glu3738Val (NM_001410195.1, NM_020914.5); short protein forms E3689V, E3738V.
Identifiers: ClinVar variation 2038818 (VCV002038818.4), dbSNP rs2511454599, ClinGen allele CA401406923.
Genomic context (GRCh38, chr17:80,360,072, plus strand): 5'-GAGTGACGTCTCACAAACCCTCTTCTTATCATCCCTCACCTTATTGCAGACATAAAGGTG[A>T]GATGGCCTACATCGTGGTGCAGAACCACATGAACCTTTCCGAGAACGCTTCCAACAACGT-3'
Protein context (NP_001243000.2, residues 3679-3699): LVMNNERHKG[Glu3689Val]MAYIVVQNHM